The following is an entry in ClinVar:

ClinVar aggregate classification (germline): Likely benign (1 of 4 stars; one submission).

Submission:

CeGaT Center for Human Genetics Tuebingen
Classification: Likely benign. Last evaluated: 2022-06-01. Review status: criteria provided, single submitter. Criteria: CeGaT Center For Human Genetics Tuebingen Variant Classification Criteria Version 2. Collection method: clinical testing. Allele origin: germline. Affected: yes. Observed: 1 variant allele.
Comment: DNM1: PM2:Supporting, BP4, BP7

NM_004408.4(DNM1):c.102C>T (p.Ile34=)

Genes: CIZ1 (CDKN1A interacting zinc finger protein 1; minus strand), DNM1 (dynamin 1; plus strand). Cytogenetic location: 9q34.11.
Variant type: single nucleotide variant.
Coding change: c.102C>T on transcript NM_004408.4 (MANE Select); coding-DNA position 102, C replaced by T.
Protein change: p.Ile34=; no amino-acid change (isoleucine 34 retained).
Molecular consequence: synonymous variant. On other transcripts: intron variant (2).
Genome position (GRCh38, 1-based): chr9:128,203,572, C>T. VCF-style: chr9-128203572-C-T. GRCh37 (hg19) VCF-style: chr9-130965851-C-T.
Other names: c.102C>T, p.Ile34= (NM_001005336.3, NM_001288737.2, NM_001288738.2 and 2 more transcripts); c.-6+614G>A (NM_001131015.2, NM_012127.3).
Identifiers: ClinVar variation 2659522 (VCV002659522.22), dbSNP rs1478390889, ClinGen allele CA467264118.